The following is an entry in ClinVar:

ClinVar aggregate classification (germline): Uncertain significance (1 of 4 stars; one submission).

Submission:

Labcorp Genetics (formerly Invitae), Labcorp
Classification: Uncertain significance. Last evaluated: 2022-02-24. Review status: criteria provided, single submitter. Criteria: Invitae Variant Classification Sherloc (09022015). Collection method: clinical testing. Allele origin: germline.
Comment: In summary, the available evidence is currently insufficient to determine the role of this variant in disease. Therefore, it has been classified as a Variant of Uncertain Significance. Experimental studies and prediction algorithms are not available or were not evaluated, and the functional significance of this variant is currently unknown. This variant has not been reported in the literature in individuals affected with ZNF408-related conditions. This variant is not present in population databases (gnomAD no frequency). This variant, c.474_476dup, results in the insertion of 1 amino acid(s) of the ZNF408 protein (p.Tyr158_Gln159insHis), but otherwise preserves the integrity of the reading frame.

NM_024741.3(ZNF408):c.474_476dup (p.Tyr158_Gln159insHis)

Gene: ZNF408 (zinc finger protein 408; plus strand). Cytogenetic location: 11p11.2.
Variant type: Duplication.
Coding change: c.474_476dup on transcript NM_024741.3 (MANE Select); coding-DNA positions 474 to 476, 3 bases duplicated (CCA; older notation c.474_476dupCCA).
Protein change: p.Tyr158_Gln159insHis.
Molecular consequence: inframe insertion.
Genome position (GRCh38, 1-based): chr11:46,703,065-46,703,067, CCA duplicated; duplicating any 3 consecutive bases within chr11:46,703,064-46,703,067 gives the same sequence; the c. name uses the placement nearest the transcript's 3' end. VCF-style (leftmost placement, unchanged base first): chr11-46703063-T-TACC. GRCh37 (hg19) VCF-style: chr11-46724613-T-TACC.
Other names: c.450_452dup, p.Tyr150_Gln151insHis (NM_001184751.2).
Identifiers: ClinVar variation 1352095 (VCV001352095.8), dbSNP rs1172896406, ClinGen allele CA676935534.